The following is an entry in ClinVar:

ClinVar aggregate classification (germline): Uncertain significance. Review status: criteria provided, multiple submitters, no conflicts (2 of 4 stars). 2 submissions from 2 submitters: Uncertain significance (2). Last evaluated 2021-08-20.

Conditions:
LAMA2-related muscular dystrophy (LAMA2-RD). Also called: Laminin alpha 2-related dystrophy. Identifiers: MedGen C5679788, MONDO:0100228.

Allele frequency attached by ClinVar (database versions not stated): ExAC 0.00001.
gnomAD v4.1: 17 of 1,606,090 alleles (0.0011%); highest among the groups gnomAD compares: Non-Finnish European, 0.0014%; no homozygotes.

Submissions (2):

Labcorp Genetics (formerly Invitae), Labcorp
Classification: Uncertain significance for LAMA2-related muscular dystrophy. Last evaluated: 2021-08-20. Review status: criteria provided, single submitter. Criteria: Invitae Variant Classification Sherloc (09022015). Collection method: clinical testing. Allele origin: germline.
Comment: This sequence change replaces glycine with valine at codon 729 of the LAMA2 protein (p.Gly729Val). The glycine residue is moderately conserved and there is a moderate physicochemical difference between glycine and valine. This variant is present in population databases (rs763338640, ExAC 0.001%). This variant has not been reported in the literature in individuals affected with LAMA2-related conditions. ClinVar contains an entry for this variant (Variation ID: 194472). Algorithms developed to predict the effect of missense changes on protein structure and function are either unavailable or do not agree on the potential impact of this missense change (SIFT: "Deleterious"; PolyPhen-2: "Probably Damaging"; Align-GVGD: "Class C0"). In summary, the available evidence is currently insufficient to determine the role of this variant in disease. Therefore, it has been classified as a Variant of Uncertain Significance.

Eurofins Ntd Llc (ga)
Classification: Uncertain significance. Last evaluated: 2015-04-07. Review status: criteria provided, single submitter. Criteria: EGL Classification Definitions 2015. Collection method: clinical testing. Allele origin: germline.

NM_000426.4(LAMA2):c.2186G>T (p.Gly729Val)

Gene: LAMA2 (laminin subunit alpha 2; plus strand). Cytogenetic location: 6q22.33.
Variant type: single nucleotide variant.
Coding change: c.2186G>T on transcript NM_000426.4 (MANE Select); coding-DNA position 2186, G replaced by T.
Protein change: p.Gly729Val; replaces glycine 729 with valine.
Molecular consequence: missense variant.
Genome position (GRCh38, 1-based): chr6:129,260,800, G>T. VCF-style: chr6-129260800-G-T. GRCh37 (hg19) VCF-style: chr6-129581945-G-T.
Other names: c.2186G>T, p.Gly729Val (NM_001079823.2); short protein forms G729V.
Identifiers: ClinVar variation 194472 (VCV000194472.9), dbSNP rs763338640, ClinGen allele CA240438.
Genomic context (GRCh38, chr6:129,260,800, plus strand): 5'-TCTCCTATCCTACTGATGGAAGCATTGCAGCAGCTGTAGAAGTGTGTCAGTGCCCACCAG[G>T]GTATACTGGCTCCTCTTGTGAAGTAAGCTTGCAAGAATGTATCCTTAGTGCTTTCAAAGT-3'
Protein context (NP_000417.3, residues 719-739): AAVEVCQCPP[Gly729Val]YTGSSCESCW